The following is an entry in ClinVar:

ClinVar aggregate classification (germline): Likely benign (1 of 4 stars; one submission).

Conditions:
NCOA1-related disorder. Also called: NCOA1-related condition.

Submission:

PreventionGenetics, part of Exact Sciences
Classification: Likely benign for NCOA1-related condition. Last evaluated: 2025-01-02. Review status: criteria provided, single submitter. Criteria: ACMG Guidelines, 2015. Collection method: clinical testing. Allele origin: germline.
Comment: This variant is classified as likely benign based on ACMG/AMP sequence variant interpretation guidelines (Richards et al. 2015 PMID: 25741868, with internal and published modifications).

NM_003743.5(NCOA1):c.4257G>A (p.Lys1419=)

Gene: NCOA1 (nuclear receptor coactivator 1; plus strand). Cytogenetic location: 2p23.3.
Variant type: single nucleotide variant.
Coding change: c.4257G>A on transcript NM_003743.5 (MANE Select); coding-DNA position 4257, G replaced by A.
Protein change: p.Lys1419=; no amino-acid change (lysine 1419 retained).
Molecular consequence: synonymous variant. On other transcripts: 3 prime UTR variant (5).
Genome position (GRCh38, 1-based): chr2:24,768,322, G>A. VCF-style: chr2-24768322-G-A. GRCh37 (hg19) VCF-style: chr2-24991191-G-A.
Other names: c.*114G>A (NM_001362950.1, NM_001362952.1, NM_001362955.1 and 1 more transcripts); c.*111G>A (NM_001362954.1); c.4254G>A, p.Lys1418= (NM_147233.2).
Identifiers: ClinVar variation 4981453 (VCV004981453.1).
Genomic context (GRCh38, chr2:24,768,322, plus strand): 5'-AGTGAATCTGGTAGGCGGGGACCCTTACCTGAACCAGCCTGGTCCACTGGGAACTCAAAA[G>A]CCCACGTCAGGACCACAGACCCCCCAGGCCCAGCAGAAGAGCCTCCTTCAGCAGCTACTG-3'
Protein context (NP_003734.3, residues 1409-1429): LNQPGPLGTQ[Lys1419=]PTSGPQTPQA